The following is an entry in ClinVar:

NM_016169.4(SUFU):c.1401G>T (p.Lys467Asn)

Gene: SUFU (SUFU negative regulator of hedgehog signaling; plus strand). Cytogenetic location: 10q24.32.
Variant type: single nucleotide variant.
Coding change: c.1401G>T on transcript NM_016169.4 (MANE Select); coding-DNA position 1401, G replaced by T.
Protein change: p.Lys467Asn; replaces lysine 467 with asparagine.
Molecular consequence: missense variant.
Genome position (GRCh38, 1-based): chr10:102,630,101, G>T. VCF-style: chr10-102630101-G-T. GRCh37 (hg19) VCF-style: chr10-104389858-G-T.
Other names: short protein forms K467N.
Identifiers: ClinVar variation 5030400 (VCV005030400.1).

ClinVar aggregate classification (germline): Uncertain significance (1 of 4 stars; one submission).

Conditions:
Hereditary cancer-predisposing syndrome. Also called: Neoplastic Syndromes, Hereditary; Tumor predisposition; Hereditary neoplastic syndrome; Hereditary Cancer Syndrome. Identifiers: Orphanet 140162, MedGen C0027672, MeSH D009386, MONDO:0015356.

Submission:

Ambry Genetics
Classification: Uncertain significance for Hereditary cancer-predisposing syndrome. Last evaluated: 2026-07-07. Review status: criteria provided, single submitter. Criteria: Ambry Variant Classification Scheme 2023. Collection method: clinical testing. Allele origin: germline.
Comment: The p.K467N variant (also known as c.1401G>T), located in coding exon 12 of the SUFU gene, results from a G to T substitution at nucleotide position 1401. The lysine at codon 467 is replaced by asparagine, an amino acid with similar properties. This amino acid position is conserved. In addition, this alteration is predicted to be tolerated by in silico analysis. Based on the available evidence, the clinical significance of this variant remains unclear.